The following is an entry in ClinVar:

ClinVar aggregate classification (germline): Uncertain significance (1 of 4 stars; one submission).

Conditions:
Bethlem myopathy 1A. Also called: Bethlem myopathy 1; Bethlem Muscular Dystrophy; MYOPATHY, BENIGN CONGENITAL, WITH CONTRACTURES. Identifiers: Orphanet 610, MedGen CN029274, MONDO:0024530, OMIM 158810.

Submission:

Labcorp Genetics (formerly Invitae), Labcorp
Classification: Uncertain significance for Bethlem myopathy 1A. Last evaluated: 2021-05-05. Review status: criteria provided, single submitter. Criteria: Invitae Variant Classification Sherloc (09022015). Collection method: clinical testing. Allele origin: germline.
Comment: In summary, the available evidence is currently insufficient to determine the role of this variant in disease. Therefore, it has been classified as a Variant of Uncertain Significance. Advanced modeling of protein sequence and biophysical properties (such as structural, functional, and spatial information, amino acid conservation, physicochemical variation, residue mobility, and thermodynamic stability) performed at Invitae indicates that this missense variant is not expected to disrupt COL6A3 protein function. This variant has not been reported in the literature in individuals with COL6A3-related conditions. This variant is not present in population databases (ExAC no frequency). This sequence change replaces serine with threonine at codon 1152 of the COL6A3 protein (p.Ser1152Thr). The serine residue is moderately conserved and there is a small physicochemical difference between serine and threonine.

NM_004369.4(COL6A3):c.3454T>A (p.Ser1152Thr)

Gene: COL6A3 (collagen type VI alpha 3 chain; minus strand). Cytogenetic location: 2q37.3.
Variant type: single nucleotide variant.
Coding change: c.3454T>A on transcript NM_004369.4 (MANE Select); coding-DNA position 3454, T replaced by A.
Protein change: p.Ser1152Thr; replaces serine 1152 with threonine.
Molecular consequence: missense variant.
Genome position (GRCh38, 1-based): chr2:237,374,637, A>T on the plus strand (T>A on the coding strand, the complement: COL6A3 is on the minus strand). VCF-style: chr2-237374637-A-T. GRCh37 (hg19) VCF-style: chr2-238283280-A-T.
Other names: c.2233T>A, p.Ser745Thr (NM_057164.5); c.2836T>A, p.Ser946Thr (NM_057165.5, NM_057167.4); c.1633T>A, p.Ser545Thr (NM_057166.5); short protein forms S1152T, S745T, S946T, S545T.
Identifiers: ClinVar variation 1470133 (VCV001470133.8), dbSNP rs2106361118, ClinGen allele CA351202756.
Genomic context (GRCh38, chr2:237,374,637, plus strand): 5'-TGTCAGCGTTCCCGATGCCAATGCCAATGGGCACAGCCCCACCCCTCTTCACGACCACGG[A>T]GGGGTTCCGCACATCATCCCCAGACCTGTCGGCCGTGAGGACGATCAGCAGCTGGGGCAC-3'
Protein context (NP_004360.2, residues 1142-1162): DRSGDDVRNP[Ser1152Thr]VVVKRGGAVP